The following is an entry in ClinVar:

ClinVar aggregate classification (germline): Pathogenic (1 of 4 stars; one submission).

Conditions:
Intellectual disability-microcephaly-strabismus-behavioral abnormalities syndrome. Also called: White-Sutton Syndrome. Identifiers: Orphanet 468678, MedGen C4225351, MONDO:0014606, OMIM 616364.

Submission:

Greenwood Genetic Center Diagnostic Laboratories, Greenwood Genetic Center
Classification: Pathogenic for Intellectual disability-microcephaly-strabismus-behavioral abnormalities syndrome. Last evaluated: 2022-08-09. Review status: criteria provided, single submitter. Criteria: ACMG Guidelines, 2015. Collection method: clinical testing. Allele origin: germline. Affected: yes.
Comment: PVS1, PS2, PM2

NM_015100.4(POGZ):c.2022dup (p.Lys675Ter)

Gene: POGZ (pogo transposable element derived with ZNF domain; minus strand). Cytogenetic location: 1q21.3.
Variant type: Duplication.
Coding change: c.2022dup on transcript NM_015100.4 (MANE Select); coding-DNA position 2022, one base duplicated (T; older notation c.2022dupT).
Protein change: p.Lys675Ter; replaces lysine 675 with a stop codon.
Molecular consequence: nonsense. On other transcripts: frameshift variant (1).
Genome position (GRCh38, 1-based): chr1:151,408,733, A duplicated on the plus strand (T on the coding strand, the reverse complement: POGZ is on the minus strand). VCF-style (leftmost placement, unchanged base first): chr1-151408732-T-TA. GRCh37 (hg19) VCF-style: chr1-151381208-T-TA.
Other names: c.1995dup, p.Lys666Ter (NM_001194937.2); c.1836dup, p.Lys613Ter (NM_001194938.2); c.2043dup, p.Lys682Terfs (NM_001410860.1); c.1737dup, p.Lys580Ter (NM_145796.4); c.1863dup, p.Lys622Ter (NM_207171.2); short protein forms K580*, K613*, K622*, K666*, K675*.
Identifiers: ClinVar variation 1710479 (VCV001710479.3), dbSNP rs2529247930, ClinGen allele CA2580061039.